The following is an entry in ClinVar:

ClinVar aggregate classification (germline): Uncertain significance (1 of 4 stars; one submission).

Submission:

Labcorp Genetics (formerly Invitae), Labcorp
Classification: Uncertain significance. Last evaluated: 2026-01-22. Review status: criteria provided, single submitter. Criteria: Invitae Variant Classification Sherloc (09022015). Collection method: clinical testing. Allele origin: germline.
Comment: This sequence change replaces asparagine, which is neutral and polar, with aspartic acid, which is acidic and polar, at codon 106 of the AVP protein (p.Asn106Asp). This variant is not present in population databases (gnomAD no frequency). This variant has not been reported in the literature in individuals affected with AVP-related conditions. An algorithm developed to predict the effect of missense changes on protein structure and function outputs the following: PolyPhen-2: "Benign". The aspartic acid amino acid residue is found in multiple mammalian species, which suggests that this missense change does not adversely affect protein function. In summary, the available evidence is currently insufficient to determine the role of this variant in disease. Therefore, it has been classified as a Variant of Uncertain Significance.

NM_000490.5(AVP):c.316A>G (p.Asn106Asp)

Gene: AVP (arginine vasopressin; minus strand). Cytogenetic location: 20p13.
Variant type: single nucleotide variant.
Coding change: c.316A>G on transcript NM_000490.5 (MANE Select); coding-DNA position 316, A replaced by G.
Protein change: p.Asn106Asp; replaces asparagine 106 with aspartic acid.
Molecular consequence: missense variant.
Genome position (GRCh38, 1-based): chr20:3,082,983, T>C on the plus strand (A>G on the coding strand, the complement: AVP is on the minus strand). VCF-style: chr20-3082983-T-C. GRCh37 (hg19) VCF-style: chr20-3063629-T-C.
Other names: short protein forms N106D.
Identifiers: ClinVar variation 4728798 (VCV004728798.1).
Genomic context (GRCh38, chr20:3,082,983, plus strand): 5'-CCCACCCAAGCGGTCTGCGCCCCCCCCAGCCCCAGGCCCGCCCCCGCCGCGCACCGTCGT[T>C]GCAGCAAACGCCGAAGGCGGCGCAGCGGCCCCCGCTCCCGCACGCCTTCTGGCCGGACTG-3'
Protein context (NP_000481.2, residues 96-116): GRCAAFGVCC[Asn106Asp]DESCVTEPEC